The following is an entry in ClinVar:

NM_015015.3(KDM4B):c.2117C>G (p.Ala706Gly)

Gene: KDM4B (lysine demethylase 4B; plus strand). Cytogenetic location: 19p13.3.
Variant type: single nucleotide variant.
Coding change: c.2117C>G on transcript NM_015015.3 (MANE Select); coding-DNA position 2117, C replaced by G.
Protein change: p.Ala706Gly; replaces alanine 706 with glycine.
Molecular consequence: missense variant.
Genome position (GRCh38, 1-based): chr19:5,135,370, C>G. VCF-style: chr19-5135370-C-G. GRCh37 (hg19) VCF-style: chr19-5135381-C-G.
Other names: c.2219C>G, p.Ala740Gly (NM_001411148.1); short protein forms A740G, A706G.
Identifiers: ClinVar variation 2262713 (VCV002262713.6), dbSNP rs2039630218, ClinGen allele CA403502553.
Genomic context (GRCh38, chr19:5,135,370, plus strand): 5'-GTCCCCTGAAGGTCGCCTCTCCCCTACAGGCCCTACAGACTGAGAAGGAGGCACCCATAG[C>G]CTCCCTCGGAGAGGGCTGCCCGGCCACATTACCCTCCAAAAGCCGTCAGAAGACCCGACC-3'
Protein context (NP_055830.1, residues 696-716): ALQTEKEAPI[Ala706Gly]SLGEGCPATL

ClinVar aggregate classification (germline): Uncertain significance. Review status: criteria provided, multiple submitters, no conflicts (2 of 4 stars). 3 submissions from 3 submitters: Uncertain significance (3). Last evaluated 2025-06-24.

Conditions:
Intellectual developmental disorder, autosomal dominant 65. Also called: MENTAL RETARDATION, AUTOSOMAL DOMINANT 65. Identifiers: MedGen C5543371, MONDO:0023657, OMIM 619320.
Inborn genetic diseases. Identifiers: MedGen C0950123, MeSH D030342.

gnomAD v4.1: 5 of 1,613,374 alleles (0.00031%); highest among the groups gnomAD compares: Non-Finnish European, 0.00034%; no homozygotes.

Submissions (3):

Ambry Genetics
Classification: Uncertain significance for Inborn genetic diseases. Last evaluated: 2025-06-24. Review status: criteria provided, single submitter. Criteria: Ambry Variant Classification Scheme 2023. Collection method: clinical testing. Allele origin: germline.

Dasa
Classification: Uncertain significance. Last evaluated: 2025-05-07. Review status: criteria provided, single submitter. Criteria: DASA Assertion Criteria. Collection method: clinical testing. Allele origin: germline.
Comment: NM_015015.3(KDM4B):c.2117C>G (p.Ala706Gly) is a missense variant that results in the substitution of alanine with glycine. This variant is rare in population databases. Computational prediction algorithms are consistent with a benign effect. The currently available literature and clinical evidence are not sufficient to establish a definitive association between this variant and the reported condition. Therefore, this variant is classified as a variant of uncertain significance.

Laboratorio de Genetica e Diagnostico Molecular, Hospital Israelita Albert Einstein
Classification: Uncertain significance for Intellectual developmental disorder, autosomal dominant 65. Last evaluated: 2023-02-10. Review status: criteria provided, single submitter. Criteria: ACMG Guidelines, 2015. Collection method: clinical testing. Allele origin: germline. Affected: yes. Observed: 1 variant allele.
Comment: ACMG classification criteria: PM2 moderated, PP2 supporting, BP4 supporting